The following is an entry in ClinVar:

ClinVar aggregate classification (germline): Conflicting classifications of pathogenicity. Review status: criteria provided, conflicting classifications (1 of 4 stars). 8 submissions from 7 submitters: Uncertain significance (6); Benign (1); Likely benign (1). Last evaluated 2025-03-12.

Conditions:
Autosomal recessive ataxia, Beauce type. Also called: SYNE1-Related Autosomal Recessive Cerebellar Ataxia; Spinocerebellar ataxia, autosomal recessive 8; SYNE1 Deficiency; ATAXIA, RECESSIVE, OF BEAUCE. Identifiers: Orphanet 88644, MedGen C1853116, MONDO:0012549, OMIM 610743.
Emery-Dreifuss muscular dystrophy 4, autosomal dominant (EDMD4). Also called: EMERY-DREIFUSS MUSCULAR DYSTROPHY 4 WITH VARIABLE FEATURES. Identifiers: Orphanet 261, MedGen C2751807, MONDO:0013071, OMIM 612998.

Allele frequency attached by ClinVar (database versions not stated): gnomAD 0.00004 and 0.00005; ESP Exome Variant Server 0.00008; TOPMed 0.00010; gnomAD exomes 0.00016; ExAC 0.00019; 1000 Genomes Project 0.00040; 1000 Genomes Project 30x 0.00047.
gnomAD v4.1: 288 of 1,614,080 alleles (0.018%); highest among the groups gnomAD compares: Non-Finnish European, 0.022%; no homozygotes.

Submissions (8):

Athena Diagnostics
Classification: Uncertain significance. Last evaluated: 2025-03-12. Review status: criteria provided, single submitter. Criteria: Athena Diagnostics Criteria. Collection method: clinical testing. Allele origin: unknown.
Comment: Available data are insufficient to determine the clinical significance of the variant at this time. The frequency of this variant in the general population is uninformative in assessment of its pathogenicity. Polyphen and MutationTaster predict this amino acid change may be benign.

GeneDx
Classification: Uncertain significance. Last evaluated: 2024-09-11. Review status: criteria provided, single submitter. Criteria: GeneDx Variant Classification Process June 2021. Collection method: clinical testing. Allele origin: germline. Affected: yes.
Comment: In silico analysis indicates that this missense variant does not alter protein structure/function; Has not been previously published as pathogenic or benign to our knowledge

Labcorp Genetics (formerly Invitae), Labcorp
Classification: Uncertain significance for Emery-Dreifuss muscular dystrophy 4, autosomal dominant; Autosomal recessive ataxia, Beauce type. Last evaluated: 2023-08-04. Review status: criteria provided, single submitter. Criteria: Invitae Variant Classification Sherloc (09022015). Collection method: clinical testing. Allele origin: germline.
Comment: This sequence change replaces histidine, which is basic and polar, with glutamine, which is neutral and polar, at codon 8168 of the SYNE1 protein (p.His8168Gln). This variant is present in population databases (rs201548223, gnomAD 0.03%). This variant has not been reported in the literature in individuals affected with SYNE1-related conditions. ClinVar contains an entry for this variant (Variation ID: 283021). An algorithm developed to predict the effect of missense changes on protein structure and function (PolyPhen-2) suggests that this variant¬†is likely to be tolerated. In summary, the available evidence is currently insufficient to determine the role of this variant in disease. Therefore, it has been classified as a Variant of Uncertain Significance.

Revvity Omics, Revvity
Classification: Uncertain significance. Last evaluated: 2023-03-31. Review status: criteria provided, single submitter. Criteria: ACMG Guidelines, 2015. Collection method: clinical testing. Allele origin: germline.

Blueprint Genetics
Classification: Likely benign. Last evaluated: 2022-09-20. Review status: criteria provided, single submitter. Criteria: ACMG Guidelines, 2015. Collection method: clinical testing. Allele origin: germline.

Illumina Laboratory Services, Illumina
Classification: Uncertain significance for Autosomal recessive ataxia, Beauce type. Last evaluated: 2018-01-12. Review status: criteria provided, single submitter. Criteria: ICSL Variant Classification Criteria 13 December 2019. Collection method: clinical testing. Allele origin: germline.

Illumina Laboratory Services, Illumina
Classification: Benign for Emery-Dreifuss muscular dystrophy 4, autosomal dominant. Last evaluated: 2018-01-12. Review status: criteria provided, single submitter. Criteria: ICSL Variant Classification Criteria 13 December 2019. Collection method: clinical testing. Allele origin: germline.
Comment: This variant was observed in the ICSL laboratory as part of a predisposition screen in an ostensibly healthy population. It had not been previously curated by ICSL or reported in the Human Gene Mutation Database (HGMD: prior to June 1st, 2018), and was therefore a candidate for classification through an automated scoring system. Utilizing variant allele frequency, disease prevalence and penetrance estimates, and inheritance mode, an automated score was calculated to assess if this variant is too frequent to cause the disease. Based on the score and internal cut-off values, a variant classified as benign is not then subjected to further curation. The score for this variant resulted in a classification of benign for this disease.

Eurofins Ntd Llc (ga)
Classification: Uncertain significance. Last evaluated: 2017-12-22. Review status: criteria provided, single submitter. Criteria: EGL Classification Definitions 2015. Collection method: clinical testing. Allele origin: germline. Observed: 2 variant alleles, 2 heterozygotes.

NM_182961.4(SYNE1):c.24717C>G (p.His8239Gln)

Gene: SYNE1 (spectrin repeat containing nuclear envelope protein 1; minus strand). Cytogenetic location: 6q25.2.
Variant type: single nucleotide variant.
Coding change: c.24717C>G on transcript NM_182961.4 (MANE Select); coding-DNA position 24717, C replaced by G.
Protein change: p.His8239Gln; replaces histidine 8239 with glutamine.
Molecular consequence: missense variant.
Genome position (GRCh38, 1-based): chr6:152,148,304, G>C on the plus strand (C>G on the coding strand, the complement: SYNE1 is on the minus strand). VCF-style: chr6-152148304-G-C. GRCh37 (hg19) VCF-style: chr6-152469439-G-C.
Other names: c.1323C>G, p.His441Gln (NM_001347701.2); c.1182C>G, p.His394Gln (NM_001347702.2); c.24504C>G, p.His8168Gln (NM_033071.5); short protein forms H8168Q, H8239Q, H394Q, H441Q.
Identifiers: ClinVar variation 283021 (VCV000283021.21), dbSNP rs201548223, ClinGen allele CA4053093.